The following is an entry in ClinVar:

ClinVar aggregate classification (germline): Benign. Review status: criteria provided, multiple submitters, no conflicts (2 of 4 stars). 6 submissions from 6 submitters: Benign (6). Last evaluated 2026-02-03.

Conditions:
Emery-Dreifuss muscular dystrophy 5, autosomal dominant (EDMD5). Also called: EMERY-DREIFUSS MUSCULAR DYSTROPHY 5. Identifiers: Orphanet 261, MedGen C2751805, MONDO:0013072, OMIM 612999.

Allele frequency attached by ClinVar (database versions not stated): 1000 Genomes Project 30x 0.66365; 1000 Genomes Project 0.67192; TOPMed 0.71522; gnomAD 0.72784 and 0.73355; ESP Exome Variant Server 0.74105; ExAC 0.81219; gnomAD exomes 0.81809 and 0.86246.
gnomAD v4.1: 1,370,117 of 1,613,584 alleles (85%); highest among the groups gnomAD compares: Non-Finnish European, 89%; 591,320 homozygotes.

Submissions (6):

Labcorp Genetics (formerly Invitae), Labcorp
Classification: Benign for Emery-Dreifuss muscular dystrophy 5, autosomal dominant. Last evaluated: 2026-02-03. Review status: criteria provided, single submitter. Criteria: Invitae Variant Classification Sherloc (09022015). Collection method: clinical testing. Allele origin: germline.

Genome-Nilou Lab
Classification: Benign for Emery-Dreifuss muscular dystrophy 5, autosomal dominant. Last evaluated: 2021-07-15. Review status: criteria provided, single submitter. Criteria: ACMG Guidelines, 2015. Collection method: clinical testing. Allele origin: germline. Affected: no.

GeneDx
Classification: Benign. Last evaluated: 2018-07-09. Review status: criteria provided, single submitter. Criteria: GeneDx Variant Classification Process June 2021. Collection method: clinical testing. Allele origin: germline. Affected: yes.

Illumina Laboratory Services, Illumina
Classification: Benign for Emery-Dreifuss muscular dystrophy 5, autosomal dominant. Last evaluated: 2018-01-12. Review status: criteria provided, single submitter. Criteria: ICSL Variant Classification Criteria 13 December 2019. Collection method: clinical testing. Allele origin: germline.
Comment: This variant was observed in the ICSL laboratory as part of a predisposition screen in an ostensibly healthy population. It had not been previously curated by ICSL or reported in the Human Gene Mutation Database (HGMD: prior to June 1st, 2018), and was therefore a candidate for classification through an automated scoring system. Utilizing variant allele frequency, disease prevalence and penetrance estimates, and inheritance mode, an automated score was calculated to assess if this variant is too frequent to cause the disease. Based on the score and internal cut-off values, a variant classified as benign is not then subjected to further curation. The score for this variant resulted in a classification of benign for this disease.

Genetic Services Laboratory, University of Chicago
Classification: Benign for AllHighlyPenetrant. Last evaluated: 2013-08-15. Review status: criteria provided, single submitter. Criteria: ACMG Guidelines, 2007. Collection method: clinical testing. Allele origin: germline. Inheritance: Autosomal dominant inheritance.

Breakthrough Genomics
Classification: Benign. Review status: criteria provided, single submitter. Criteria: ACMG Guidelines, 2015. Collection method: not provided. Allele origin: germline. Inheritance: Autosomal dominant inheritance. Affected: yes.

NM_182914.3(SYNE2):c.6851C>T (p.Ala2284Val)

Gene: SYNE2 (spectrin repeat containing nuclear envelope protein 2; plus strand). Cytogenetic location: 14q23.2.
Variant type: single nucleotide variant.
Coding change: c.6851C>T on transcript NM_182914.3 (MANE Select); coding-DNA position 6851, C replaced by T.
Protein change: p.Ala2284Val; replaces alanine 2284 with valine.
Molecular consequence: missense variant.
Genome position (GRCh38, 1-based): chr14:64,030,031, C>T. VCF-style: chr14-64030031-C-T. GRCh37 (hg19) VCF-style: chr14-64496749-C-T.
Other names: c.6851C>T, p.Ala2284Val (NM_015180.6); short protein forms A2284V.
Identifiers: ClinVar variation 130504 (VCV000130504.21), dbSNP rs4027402, ClinGen allele CA155592.